The following is an entry in ClinVar:

ClinVar aggregate classification (germline): Uncertain significance (1 of 4 stars; one submission).

Allele frequency attached by ClinVar (database versions not stated): gnomAD exomes below 0.00001; TOPMed below 0.00001; gnomAD 0.00001.
gnomAD v4.1: 4 of 1,595,692 alleles (0.00025%); highest among the groups gnomAD compares: African/African-American, 0.0054%; no homozygotes.

Submission:

Labcorp Genetics (formerly Invitae), Labcorp
Classification: Uncertain significance. Last evaluated: 2022-03-13. Review status: criteria provided, single submitter. Criteria: Invitae Variant Classification Sherloc (09022015). Collection method: clinical testing. Allele origin: germline.
Comment: In summary, the available evidence is currently insufficient to determine the role of this variant in disease. Therefore, it has been classified as a Variant of Uncertain Significance. Algorithms developed to predict the effect of missense changes on protein structure and function are either unavailable or do not agree on the potential impact of this missense change (SIFT: "Tolerated"; PolyPhen-2: "Possibly Damaging"; Align-GVGD: "Class C0"). This variant has not been reported in the literature in individuals affected with PLAA-related conditions. This variant is present in population databases (no rsID available, gnomAD 0.01%). This sequence change replaces asparagine, which is neutral and polar, with histidine, which is basic and polar, at codon 66 of the PLAA protein (p.Asn66His).

NM_001031689.3(PLAA):c.196A>C (p.Asn66His)

Gene: PLAA (phospholipase A2 activating protein; minus strand). Cytogenetic location: 9p21.2.
Variant type: single nucleotide variant.
Coding change: c.196A>C on transcript NM_001031689.3 (MANE Select); coding-DNA position 196, A replaced by C.
Protein change: p.Asn66His; replaces asparagine 66 with histidine.
Molecular consequence: missense variant.
Genome position (GRCh38, 1-based): chr9:26,935,160, T>G on the plus strand (A>C on the coding strand, the complement: PLAA is on the minus strand). VCF-style: chr9-26935160-T-G. GRCh37 (hg19) VCF-style: chr9-26935158-T-G.
Other names: c.196A>C, p.Asn66His (NM_001321546.2); short protein forms N66H.
Identifiers: ClinVar variation 1945697 (VCV001945697.3), dbSNP rs1026528892, ClinGen allele CA191281537.